The following is an entry in ClinVar:

NM_005859.5(PURA):c.733C>T (p.Arg245Ter)

Gene: PURA (purine rich element binding protein A; plus strand). Cytogenetic location: 5q31.3.
Variant type: single nucleotide variant.
Coding change: c.733C>T on transcript NM_005859.5 (MANE Select); coding-DNA position 733, C replaced by T.
Protein change: p.Arg245Ter; replaces arginine 245 with a stop codon.
Molecular consequence: nonsense.
Genome position (GRCh38, 1-based): chr5:140,114,914, C>T. VCF-style: chr5-140114914-C-T. GRCh37 (hg19) VCF-style: chr5-139494499-C-T.
Other names: short protein forms R245*.
Identifiers: ClinVar variation 452792 (VCV000452792.7), dbSNP rs1554129116, ClinGen allele CA361491422.

ClinVar aggregate classification (germline): Pathogenic (1 of 4 stars; one submission).

Submission:

GeneDx
Classification: Pathogenic. Last evaluated: 2022-06-06. Review status: criteria provided, single submitter. Criteria: GeneDx Variant Classification Process June 2021. Collection method: clinical testing. Allele origin: germline. Affected: yes.
Comment: Nonsense variant in the C-terminus predicted to result in protein truncation as the last 78 amino acids are lost, and other loss-of-function variants have been reported downstream in the Human Gene Mutation Database (HGMD); Not observed in large population cohorts (gnomAD)